The following is an entry in ClinVar:

NM_000350.3(ABCA4):c.6127C>T (p.Pro2043Ser)

Gene: ABCA4 (ATP binding cassette subfamily A member 4; minus strand). Cytogenetic location: 1p22.1.
Variant type: single nucleotide variant.
Coding change: c.6127C>T on transcript NM_000350.3 (MANE Select); coding-DNA position 6127, C replaced by T.
Protein change: p.Pro2043Ser; replaces proline 2043 with serine.
Molecular consequence: missense variant.
Genome position (GRCh38, 1-based): chr1:94,005,461, G>A on the plus strand (C>T on the coding strand, the complement: ABCA4 is on the minus strand). VCF-style: chr1-94005461-G-A. GRCh37 (hg19) VCF-style: chr1-94471017-G-A.
Other names: c.5905C>T, p.Pro1969Ser (NM_001425324.1); short protein forms P2043S, P1969S.
Identifiers: ClinVar variation 4896701 (VCV004896701.3).

ClinVar aggregate classification (germline): Conflicting classifications of pathogenicity. Review status: criteria provided, conflicting classifications (1 of 4 stars). 2 submissions from 2 submitters: Likely pathogenic (1); Uncertain significance (1). Last evaluated 2021-07-20.

Conditions:
Age related macular degeneration 2. Also called: MACULAR DEGENERATION, SENILE; MACULOPATHY, AGE-RELATED, 2; MACULOPATHY, AGE-RELATED. Identifiers: MedGen C3495438, MONDO:0007932, OMIM 153800.
Cone-rod dystrophy 3 (CORD3). Identifiers: Orphanet 1872, MedGen C1858806, MONDO:0011395, OMIM 604116.
Severe early-childhood-onset retinal dystrophy (STGD1). Also called: Stargardt macular dystrophy; Juvenile onset macular degeneration; Stargardt disease 1; STGD; MACULAR DYSTROPHY WITH FLECKS, TYPE 1. Identifiers: Orphanet 364055, Orphanet 827, MedGen C1855465, MeSH D000080362, MONDO:0009549, OMIM 248200.
Retinitis pigmentosa 19 (RP19). Also called: ABCA4-Related Retinitis Pigmentosa. Identifiers: Orphanet 791, MedGen C1866422, MONDO:0011137, OMIM 601718.

gnomAD v4.1: 4 of 1,614,010 alleles (0.00025%); highest among the groups gnomAD compares: East Asian, 0.0089%; no homozygotes.

Submissions (2):

Blueprint Genetics
Classification: Uncertain significance. Last evaluated: 2021-07-20. Review status: criteria provided, single submitter. Criteria: ACMG Guidelines, 2015. Collection method: clinical testing. Allele origin: germline.

Juno Genomics, Hangzhou Juno Genomics, Inc
Classification: Likely pathogenic for Age related macular degeneration 2; Cone-rod dystrophy 3; Severe early-childhood-onset retinal dystrophy; Retinitis pigmentosa 19. Review status: criteria provided, single submitter. Criteria: ACMG Guidelines, 2015. Collection method: clinical testing. Allele origin: germline.
Comment: Absent from controls (or at extremely low frequency if recessive) in Genome Aggregation Database.;Multiple lines of computational evidence support a deleterious effect on the gene or gene product.;For recessive disorders, detected in trans with a pathogenic variant.;Patient's phenotype or family history is highly specific for a disease with a single genetic etiology.